The following is an entry in ClinVar:

ClinVar aggregate classification (germline): Benign/Likely benign. Review status: criteria provided, multiple submitters, no conflicts (2 of 4 stars). 11 submissions from 11 submitters: Benign (1); Likely benign (10). Last evaluated 2026-01-09.

Conditions:
Ovarian cancer. Also called: OVARIAN CANCER, SOMATIC. Identifiers: Orphanet 213500, MedGen C1140680, MONDO:0008170, OMIM 167000.
Familial cancer of breast. Also called: hereditary breast carcinoma; Hereditary breast cancer; BREAST CANCER, FAMILIAL. Identifiers: Orphanet 227535, MedGen C0346153, MONDO:0016419, OMIM 114480. Disease mechanism: loss of function.
Hereditary cancer-predisposing syndrome. Also called: Tumor predisposition; Hereditary neoplastic syndrome; Neoplastic Syndromes, Hereditary; Hereditary Cancer Syndrome. Identifiers: Orphanet 140162, MedGen C0027672, MeSH D009386, MONDO:0015356.
Hereditary diffuse gastric adenocarcinoma (HDGC). Also called: DIFFUSE GASTRIC AND LOBULAR BREAST CANCER SYNDROME. Identifiers: Orphanet 26106, MedGen C1708349, MONDO:0007648, OMIM 137215.

Allele frequency attached by ClinVar (database versions not stated): gnomAD exomes 0.00002 and 0.00003; TOPMed 0.00003; ESP Exome Variant Server 0.00008; ExAC 0.00002; gnomAD 0.00002.
gnomAD v4.1: 48 of 1,613,978 alleles (0.003%); highest among the groups gnomAD compares: Admixed American, 0.005%; no homozygotes.

Submissions (11):

Labcorp Genetics (formerly Invitae), Labcorp
Classification: Likely benign for Hereditary diffuse gastric adenocarcinoma. Last evaluated: 2026-01-09. Review status: criteria provided, single submitter. Criteria: Invitae Variant Classification Sherloc (09022015). Collection method: clinical testing. Allele origin: germline.

Myriad Genetics, Inc.
Classification: Benign for Hereditary diffuse gastric adenocarcinoma. Last evaluated: 2024-09-17. Review status: criteria provided, single submitter. Criteria: Myriad Autosomal Dominant, Autosomal Recessive and X-Linked Classification Criteria (2023). Collection method: clinical testing. Allele origin: unknown.
Comment: This variant is considered benign. This variant is a silent/synonymous amino acid change and it is not expected to impact splicing.

Hereditary Cancer Laboratory, Hospital Universitario 12 de Octubre
Classification: Likely benign for Hereditary cancer-predisposing syndrome. Last evaluated: 2024-05-30. Review status: criteria provided, single submitter. Criteria: ACMG Guidelines, 2015. Collection method: clinical testing. Allele origin: germline.
Comment: BP4 + BP7

Quest Diagnostics Nichols Institute San Juan Capistrano
Classification: Likely benign. Last evaluated: 2023-07-26. Review status: criteria provided, single submitter. Criteria: Quest Diagnostics criteria. Collection method: clinical testing. Allele origin: unknown.

European Reference Network on Genetic Tumour Risk Syndromes (ERN-GENTURIS), i3s - Instituto de Investigação e Inovação em Saúde, University of Porto
Classification: Likely benign for Hereditary diffuse gastric adenocarcinoma. Last evaluated: 2022-08-01. Review status: criteria provided, single submitter. Criteria: Lee et al. (Hum Mutat. 2018). Collection method: clinical testing. Allele origin: germline. Inheritance: Autosomal dominant inheritance. Affected: no. Study: ERN GENTURIS.
Comment: BS2_Supporting; BP7 (PMID: 30311375)

Department of Pathology and Laboratory Medicine, Sinai Health System
Classification: Likely benign for Familial cancer of breast; Ovarian cancer. Last evaluated: 2022-03-25. Review status: criteria provided, single submitter. Criteria: ACMG Guidelines, 2015. Collection method: clinical testing. Allele origin: germline. Affected: yes.

Sema4
Classification: Likely benign for Hereditary cancer-predisposing syndrome. Last evaluated: 2021-06-13. Review status: criteria provided, single submitter. Criteria: Sema4 Curation Guidelines. Collection method: curation. Allele origin: germline.

GeneDx
Classification: Likely benign. Last evaluated: 2019-10-17. Review status: criteria provided, single submitter. Criteria: GeneDx Variant Classification Process June 2021. Collection method: clinical testing. Allele origin: germline. Affected: yes.

Women's Health and Genetics/Laboratory Corporation of America, LabCorp
Classification: Likely benign. Last evaluated: 2019-08-28. Review status: criteria provided, single submitter. Criteria: LabCorp Variant Classification Summary - May 2015. Collection method: clinical testing. Allele origin: germline.

Color Diagnostics, LLC DBA Color Health
Classification: Likely benign for Hereditary cancer-predisposing syndrome. Last evaluated: 2017-03-16. Review status: criteria provided, single submitter. Criteria: ACMG Guidelines, 2015. Collection method: clinical testing. Allele origin: germline.

Ambry Genetics
Classification: Likely benign for Hereditary cancer-predisposing syndrome. Last evaluated: 2015-06-22. Review status: criteria provided, single submitter. Criteria: Ambry Variant Classification Scheme 2023. Collection method: clinical testing. Allele origin: germline.

Literature cited by the submitters: PubMed 36436516 (cited by European Reference Network on Genetic Tumour Risk Syndromes (ERN-GENTURIS), i3s - Instituto de Investigação e Inovação em Saúde, University of Porto).

NM_004360.5(CDH1):c.906C>T (p.Tyr302=)

Gene: CDH1 (cadherin 1; plus strand). Cytogenetic location: 16q22.1.
Variant type: single nucleotide variant.
Coding change: c.906C>T on transcript NM_004360.5 (MANE Select); coding-DNA position 906, C replaced by T.
Protein change: p.Tyr302=; no amino-acid change (tyrosine 302 retained).
Molecular consequence: synonymous variant. On other transcripts: 5 prime UTR variant (2).
Genome position (GRCh38, 1-based): chr16:68,811,757, C>T. VCF-style: chr16-68811757-C-T. GRCh37 (hg19) VCF-style: chr16-68845660-C-T.
Other names: c.906C>T (LRG_301t1, NM_004360.4); c.906C>T, p.Tyr302= (NM_001317184.2); c.-710C>T (NM_001317185.2); c.-914C>T (NM_001317186.2).
Identifiers: ClinVar variation 220191 (VCV000220191.27), dbSNP rs370197479, ClinGen allele CA350238.